The following is an entry in ClinVar:

NM_000256.3(MYBPC3):c.1601C>G (p.Ala534Gly)

Gene: MYBPC3 (myosin binding protein C3; minus strand). Cytogenetic location: 11p11.2.
Variant type: single nucleotide variant.
Coding change: c.1601C>G on transcript NM_000256.3 (MANE Select); coding-DNA position 1601, C replaced by G.
Protein change: p.Ala534Gly; replaces alanine 534 with glycine.
Molecular consequence: missense variant.
Genome position (GRCh38, 1-based): chr11:47,342,601, G>C on the plus strand (C>G on the coding strand, the complement: MYBPC3 is on the minus strand). VCF-style: chr11-47342601-G-C. GRCh37 (hg19) VCF-style: chr11-47364152-G-C.
Other names: short protein forms A534G.
Identifiers: ClinVar variation 1522345 (VCV001522345.8), dbSNP rs374349666, ClinGen allele CA380325024.

ClinVar aggregate classification (germline): Uncertain significance (1 of 4 stars; one submission).

Conditions:
Hypertrophic cardiomyopathy. Also called: HYPERTROPHIC MYOCARDIOPATHY. Identifiers: Orphanet 217569, MedGen C0007194, MeSH D002312, MONDO:0005045, HP:0001639.

gnomAD v4.1: 1 of 1,609,936 alleles (0.000062%); highest among the groups gnomAD compares: South Asian, 0.0011%; no homozygotes.

Submission:

Labcorp Genetics (formerly Invitae), Labcorp
Classification: Uncertain significance for Hypertrophic cardiomyopathy. Last evaluated: 2024-04-15. Review status: criteria provided, single submitter. Criteria: Invitae Variant Classification Sherloc (09022015). Collection method: clinical testing. Allele origin: germline.
Comment: This sequence change replaces alanine, which is neutral and non-polar, with glycine, which is neutral and non-polar, at codon 534 of the MYBPC3 protein (p.Ala534Gly). This variant is not present in population databases (gnomAD no frequency). This variant has not been reported in the literature in individuals affected with MYBPC3-related conditions. ClinVar contains an entry for this variant (Variation ID: 1522345). An algorithm developed to predict the effect of missense changes on protein structure and function (PolyPhen-2) suggests that this variant is likely to be tolerated. In summary, the available evidence is currently insufficient to determine the role of this variant in disease. Therefore, it has been classified as a Variant of Uncertain Significance.